The following is an entry in ClinVar:

NM_001276345.2(TNNT2):c.571A>G (p.Met191Val)

Gene: TNNT2 (troponin T2, cardiac type; minus strand). Cytogenetic location: 1q32.1.
Variant type: single nucleotide variant.
Coding change: c.571A>G on transcript NM_001276345.2 (MANE Select); coding-DNA position 571, A replaced by G.
Protein change: p.Met191Val; replaces methionine 191 with valine.
Molecular consequence: missense variant.
Genome position (GRCh38, 1-based): chr1:201,363,325, T>C on the plus strand (A>G on the coding strand, the complement: TNNT2 is on the minus strand). VCF-style: chr1-201363325-T-C. GRCh37 (hg19) VCF-style: chr1-201332453-T-C.
Other names: c.571A>G, p.Met191Val (NM_000364.4, NM_001406723.1); c.541A>G, p.Met181Val (NM_001001430.3, NM_001001431.3, NM_001276347.2 and 3 more transcripts); c.526A>G, p.Met176Val (NM_001001432.3, NM_001406728.1); c.451A>G, p.Met151Val (NM_001276346.2); c.538A>G, p.Met180Val (NM_001406725.1); short protein forms M151V, M176V, M180V, M181V, M191V.
Identifiers: ClinVar variation 1805854 (VCV001805854.1), dbSNP rs2526974835, ClinGen allele CA344204339.

ClinVar aggregate classification (germline): Uncertain significance (1 of 4 stars; one submission).

Conditions:
Left ventricular noncompaction. Identifiers: Orphanet 54260, MedGen C1960469, MONDO:0018901, HP:0030682.

Submission:

Victorian Clinical Genetics Services, Murdoch Childrens Research Institute
Classification: Uncertain significance for Left ventricular noncompaction. Last evaluated: 2020-10-19. Review status: criteria provided, single submitter. Criteria: ACMG Guidelines, 2015. Collection method: clinical testing. Allele origin: germline. Inheritance: Autosomal dominant inheritance. Affected: yes.
Comment: Based on the classification scheme VCGS_Germline_v1.1.1, this variant is classified as 3A-VUS. Following criteria are met: 0104 - Dominant negative is a mechanism of disease for this gene. (N) 0107 - This gene is known to be associated with autosomal dominant disease. (N) 0200 - Variant is predicted to result in a missense amino acid change from methionine to valine (exon 12). (N) 0251 - Variant is heterozygous. (N) 0301 - Variant is absent from gnomAD (v2 and v3). (P) 0501 - Missense variant consistently predicted to be damaging by multiple in silico tools or highly conserved with a major amino acid change. (P) 0600 - Variant is located in an annotated domain or motif (troponin domain; NBCI, PDB). (N) 0705 - No comparable variants have previous evidence for pathogenicity. Three different variants in the same codon resulting in changes to isoleucine, threonine and arginine have been reported as variants of uncertain significance in ClinVar. (N) 0807 - Variant has not previously been reported in a clinical context. (N) 0905 - No segregation evidence has been identified for this variant. (N) 1007 - No published functional evidence has been identified for this variant. (N) 1208 - Inheritance information for this variant is not currently available. (N) Legend: (P) - Pathogenic, (N) - Neutral, (B) - Benign